The following is an entry in ClinVar:

NM_012134.3(LMOD1):c.139G>T (p.Val47Leu)

Gene: LMOD1 (leiomodin 1; minus strand). Cytogenetic location: 1q32.1.
Variant type: single nucleotide variant.
Coding change: c.139G>T on transcript NM_012134.3 (MANE Select); coding-DNA position 139, G replaced by T.
Protein change: p.Val47Leu; replaces valine 47 with leucine.
Molecular consequence: missense variant.
Genome position (GRCh38, 1-based): chr1:201,946,202, C>A on the plus strand (G>T on the coding strand, the complement: LMOD1 is on the minus strand). VCF-style: chr1-201946202-C-A. GRCh37 (hg19) VCF-style: chr1-201915330-C-A.
Other names: short protein forms V47L.
Identifiers: ClinVar variation 721653 (VCV000721653.30), dbSNP rs200871425, ClinGen allele CA1328753.

ClinVar aggregate classification (germline): Benign/Likely benign. Review status: criteria provided, multiple submitters, no conflicts (2 of 4 stars). 5 submissions from 5 submitters: Benign (2); Likely benign (1). 2 of the submissions do not count toward it. Last evaluated 2023-01-01.

Allele frequency attached by ClinVar (database versions not stated): 1000 Genomes Project 30x 0.00016; 1000 Genomes Project 0.00020; ESP Exome Variant Server 0.00113; gnomAD 0.00134 and 0.00135; TOPMed 0.00148; ExAC 0.00193; gnomAD exomes 0.00209.
gnomAD v4.1: 2,503 of 1,614,050 alleles (0.16%); highest among the groups gnomAD compares: Middle Eastern, 1%; 16 homozygotes.

Submissions (5):

CeGaT Center for Human Genetics Tuebingen
Classification: Likely benign. Last evaluated: 2023-01-01. Review status: criteria provided, single submitter. Criteria: CeGaT Center For Human Genetics Tuebingen Variant Classification Criteria Version 2. Collection method: clinical testing. Allele origin: germline. Affected: yes. Observed: 1 variant allele.
Comment: LMOD1: BP4

Labcorp Genetics (formerly Invitae), Labcorp
Classification: Benign. Last evaluated: 2019-12-31. Review status: criteria provided, single submitter. Criteria: Invitae Variant Classification Sherloc (09022015). Collection method: clinical testing. Allele origin: germline.

Breakthrough Genomics
Classification: Benign. Review status: criteria provided, single submitter. Criteria: ACMG Guidelines, 2015. Collection method: not provided. Allele origin: germline. Inheritance: Autosomal recessive inheritance. Affected: yes.

Genome Diagnostics Laboratory, Amsterdam University Medical Center
Classification: Benign. Review status: no assertion criteria provided. Collection method: clinical testing. Allele origin: germline. Affected: yes. Study: VKGL Data-share Consensus. Not counted in ClinVar's aggregate classification.

Genome Diagnostics Laboratory, University Medical Center Utrecht
Classification: Benign. Review status: no assertion criteria provided. Collection method: clinical testing. Allele origin: germline. Affected: yes. Study: VKGL Data-share Consensus. Not counted in ClinVar's aggregate classification.